The following is an entry in ClinVar:

NM_032634.4(PIGO):c.206G>A (p.Arg69Gln)

Gene: PIGO (phosphatidylinositol glycan anchor biosynthesis class O; minus strand). Cytogenetic location: 9p13.3.
Variant type: single nucleotide variant.
Coding change: c.206G>A on transcript NM_032634.4 (MANE Select); coding-DNA position 206, G replaced by A.
Protein change: p.Arg69Gln; replaces arginine 69 with glutamine.
Molecular consequence: missense variant.
Genome position (GRCh38, 1-based): chr9:35,095,360, C>T on the plus strand (G>A on the coding strand, the complement: PIGO is on the minus strand). VCF-style: chr9-35095360-C-T. GRCh37 (hg19) VCF-style: chr9-35095357-C-T.
Other names: c.206G>A, p.Arg69Gln (NM_001201484.2, NM_152850.4); short protein forms R69Q.
Identifiers: ClinVar variation 642978 (VCV000642978.8), dbSNP rs1479047885, ClinGen allele CA373324760.

ClinVar aggregate classification (germline): Uncertain significance (1 of 4 stars; one submission).

Conditions:
Hyperphosphatasia with impaired intellectual development syndrome 2. Also called: Hyperphosphatasia with intellectual disability syndrome 2; GLYCOSYLPHOSPHATIDYLINOSITOL BIOSYNTHESIS DEFECT 6. Identifiers: Orphanet 247262, MedGen C3553637, MONDO:0013882, OMIM 614749.

Allele frequency attached by ClinVar (database versions not stated): gnomAD exomes below 0.00001 and 0.00001; TOPMed 0.00001; gnomAD 0.00001.
gnomAD v4.1: 7 of 1,614,052 alleles (0.00043%); highest among the groups gnomAD compares: Admixed American, 0.005%; no homozygotes.

Submission:

Labcorp Genetics (formerly Invitae), Labcorp
Classification: Uncertain significance for Hyperphosphatasia with impaired intellectual development syndrome 2. Last evaluated: 2021-09-01. Review status: criteria provided, single submitter. Criteria: Invitae Variant Classification Sherloc (09022015). Collection method: clinical testing. Allele origin: germline.
Comment: This sequence change replaces arginine with glutamine at codon 69 of the PIGO protein (p.Arg69Gln). The arginine residue is moderately conserved and there is a small physicochemical difference between arginine and glutamine. This variant is not present in population databases (ExAC no frequency). This variant has not been reported in the literature in individuals affected with PIGO-related conditions. Algorithms developed to predict the effect of missense changes on protein structure and function are either unavailable or do not agree on the potential impact of this missense change (SIFT: "Deleterious"; PolyPhen-2: "Probably Damaging"; Align-GVGD: "Class C0"). Algorithms developed to predict the effect of sequence changes on RNA splicing suggest that this variant may create or strengthen a splice site. In summary, the available evidence is currently insufficient to determine the role of this variant in disease. Therefore, it has been classified as a Variant of Uncertain Significance.